The following is an entry in ClinVar:

NM_015001.3(SPEN):c.9637G>A (p.Ala3213Thr)

Gene: SPEN (spen family transcriptional repressor; plus strand). Cytogenetic location: 1p36.13.
Variant type: single nucleotide variant.
Coding change: c.9637G>A on transcript NM_015001.3 (MANE Select); coding-DNA position 9637, G replaced by A.
Protein change: p.Ala3213Thr; replaces alanine 3213 with threonine.
Molecular consequence: missense variant.
Genome position (GRCh38, 1-based): chr1:15,935,877, G>A. VCF-style: chr1-15935877-G-A. GRCh37 (hg19) VCF-style: chr1-16262372-G-A.
Other names: short protein forms A3213T.
Identifiers: ClinVar variation 3388590 (VCV003388590.14).

ClinVar aggregate classification (germline): Likely benign (1 of 4 stars; one submission).

gnomAD v4.1: 29 of 1,613,368 alleles (0.0018%); highest among the groups gnomAD compares: Non-Finnish European, 0.002%; no homozygotes.

Submission:

CeGaT Center for Human Genetics Tuebingen
Classification: Likely benign. Last evaluated: 2024-11-01. Review status: criteria provided, single submitter. Criteria: CeGaT Center For Human Genetics Tuebingen Variant Classification Criteria Version 2. Collection method: clinical testing. Allele origin: germline. Affected: yes. Observed: 2 variant alleles.
Comment: SPEN: BP4